The following is an entry in ClinVar:

ClinVar aggregate classification (germline): Uncertain significance (1 of 4 stars; one submission).

Allele frequency attached by ClinVar (database versions not stated): ExAC 0.00001; gnomAD exomes 0.00001; gnomAD 0.00001; TOPMed 0.00001.
gnomAD v4.1: 9 of 1,614,096 alleles (0.00056%); highest among the groups gnomAD compares: Admixed American, 0.015%; no homozygotes.

Submission:

GeneDx
Classification: Uncertain significance. Last evaluated: 2019-07-24. Review status: criteria provided, single submitter. Criteria: GeneDx Variant Classification Process June 2021. Collection method: clinical testing. Allele origin: germline. Affected: yes.
Comment: In silico analysis, which includes protein predictors and evolutionary conservation, supports that this variant does not alter protein structure/function; Has not been previously published as pathogenic or benign to our knowledge

NM_018713.3(SLC30A10):c.1009A>G (p.Ile337Val)

Gene: SLC30A10 (solute carrier family 30 member 10; minus strand). Cytogenetic location: 1q41.
Variant type: single nucleotide variant.
Coding change: c.1009A>G on transcript NM_018713.3 (MANE Select); coding-DNA position 1009, A replaced by G.
Protein change: p.Ile337Val; replaces isoleucine 337 with valine.
Molecular consequence: missense variant. On other transcripts: non-coding transcript variant (2).
Genome position (GRCh38, 1-based): chr1:219,915,898, T>C on the plus strand (A>G on the coding strand, the complement: SLC30A10 is on the minus strand). VCF-style: chr1-219915898-T-C. GRCh37 (hg19) VCF-style: chr1-220089240-T-C.
Other names: c.820A>G, p.Ile274Val (NM_001376929.1); short protein forms I274V, I337V.
Identifiers: ClinVar variation 1304825 (VCV001304825.2), dbSNP rs773025168, ClinGen allele CA1399180.